The following is an entry in ClinVar:

NM_030665.4(RAI1):c.3534C>T (p.Leu1178=)

Gene: RAI1 (retinoic acid induced 1; plus strand). Cytogenetic location: 17p11.2.
Variant type: single nucleotide variant.
Coding change: c.3534C>T on transcript NM_030665.4 (MANE Select); coding-DNA position 3534, C replaced by T.
Protein change: p.Leu1178=; no amino-acid change (leucine 1178 retained).
Molecular consequence: synonymous variant.
Genome position (GRCh38, 1-based): chr17:17,796,482, C>T. VCF-style: chr17-17796482-C-T. GRCh37 (hg19) VCF-style: chr17-17699796-C-T.
Other names: c.3534C>T (NM_030665.3).
Identifiers: ClinVar variation 1605223 (VCV001605223.10), dbSNP rs776913256, ClinGen allele CA8418745.
Genomic context (GRCh38, chr17:17,796,482, plus strand): 5'-CAAGCGGCGGAGGCCCTCTGAGGGCCGGCTCCCCAACTGCCGTGCCACCAAGAAGCTCCT[C>T]GACAACAGCCACTTGCCCGCCACATTCAAGGTCTCCAGCAGCCCCCAGAAGGAGGGCAGG-3'
Protein context (NP_109590.3, residues 1168-1188): LPNCRATKKL[Leu1178=]DNSHLPATFK

ClinVar aggregate classification (germline): Likely benign. Review status: criteria provided, single submitter (1 of 4 stars). 2 submissions from 2 submitters: Likely benign (1). 1 of the submissions does not count toward it. Last evaluated 2026-01-13.

Conditions:
RAI1-related disorder. Also called: RAI1-related condition.

Allele frequency attached by ClinVar (database versions not stated): ExAC 0.00006; TOPMed 0.00008; gnomAD exomes 0.00003 and 0.00006.
gnomAD v4.1: 49 of 1,611,178 alleles (0.003%); highest among the groups gnomAD compares: Admixed American, 0.028%; no homozygotes.

Submissions (2):

Labcorp Genetics (formerly Invitae), Labcorp
Classification: Likely benign. Last evaluated: 2026-01-13. Review status: criteria provided, single submitter. Criteria: Invitae Variant Classification Sherloc (09022015). Collection method: clinical testing. Allele origin: germline.

PreventionGenetics, part of Exact Sciences
Classification: Likely benign for RAI1-related condition. Last evaluated: 2020-04-13. Review status: no assertion criteria provided. Collection method: clinical testing. Allele origin: germline. Not counted in ClinVar's aggregate classification.
Comment: This variant is classified as likely benign based on ACMG/AMP sequence variant interpretation guidelines (Richards et al. 2015 PMID: 25741868, with internal and published modifications).